The following is an entry in ClinVar:

NM_032387.5(WNK4):c.3074C>T (p.Pro1025Leu)

Gene: WNK4 (WNK lysine deficient protein kinase 4; plus strand). Cytogenetic location: 17q21.2.
Variant type: single nucleotide variant.
Coding change: c.3074C>T on transcript NM_032387.5 (MANE Select); coding-DNA position 3074, C replaced by T.
Protein change: p.Pro1025Leu; replaces proline 1025 with leucine.
Molecular consequence: missense variant.
Genome position (GRCh38, 1-based): chr17:42,795,676, C>T. VCF-style: chr17-42795676-C-T. GRCh37 (hg19) VCF-style: chr17-40947694-C-T.
Other names: p.Pro1025Leu; c.2066C>T, p.Pro689Leu (NM_001321299.2); short protein forms P1025L, P689L.
Identifiers: ClinVar variation 323350 (VCV000323350.38), dbSNP rs56099549, ClinGen allele CA8584525.

ClinVar aggregate classification (germline): Benign. Review status: criteria provided, multiple submitters, no conflicts (2 of 4 stars). 4 submissions from 4 submitters: Benign (4). Last evaluated 2025-12-16.

Conditions:
Pseudohypoaldosteronism type 2B (PHA2B). Also called: Pseudohypoaldosteronism Type IIB. Identifiers: Orphanet 757, Orphanet 88939, MedGen C1840390, MONDO:0013777, OMIM 614491.

Allele frequency attached by ClinVar (database versions not stated): ESP Exome Variant Server 0.00938; gnomAD 0.00977 and 0.01000; ExAC 0.00990; 1000 Genomes Project 30x 0.00422; 1000 Genomes Project 0.00459; TOPMed 0.00748.
gnomAD v4.1: 19,997 of 1,613,150 alleles (1.2%); highest among the groups gnomAD compares: Non-Finnish European, 1.4%; 168 homozygotes.

Submissions (4):

Labcorp Genetics (formerly Invitae), Labcorp
Classification: Benign. Last evaluated: 2025-12-16. Review status: criteria provided, single submitter. Criteria: Invitae Variant Classification Sherloc (09022015). Collection method: clinical testing. Allele origin: germline.

CeGaT Center for Human Genetics Tuebingen
Classification: Benign. Last evaluated: 2023-04-01. Review status: criteria provided, single submitter. Criteria: CeGaT Center For Human Genetics Tuebingen Variant Classification Criteria Version 2. Collection method: clinical testing. Allele origin: germline. Affected: yes. Observed: 1 variant allele.
Comment: WNK4: BP4, BS1, BS2

Mayo Clinic Laboratories, Mayo Clinic
Classification: Benign. Last evaluated: 2023-01-23. Review status: criteria provided, single submitter. Criteria: ACMG Guidelines, 2015. Collection method: clinical testing. Allele origin: germline. Observed: 4 variant alleles.
Comment: BS1, BS2, BP4

Illumina Laboratory Services, Illumina
Classification: Benign for Pseudohypoaldosteronism type 2B. Last evaluated: 2018-01-13. Review status: criteria provided, single submitter. Criteria: ICSL Variant Classification Criteria 13 December 2019. Collection method: clinical testing. Allele origin: germline.
Comment: This variant was observed in the ICSL laboratory as part of a predisposition screen in an ostensibly healthy population. It had not been previously curated by ICSL or reported in the Human Gene Mutation Database (HGMD: prior to June 1st, 2018), and was therefore a candidate for classification through an automated scoring system. Utilizing variant allele frequency, disease prevalence and penetrance estimates, and inheritance mode, an automated score was calculated to assess if this variant is too frequent to cause the disease. Based on the score and internal cut-off values, a variant classified as benign is not then subjected to further curation. The score for this variant resulted in a classification of benign for this disease.